The following is an entry in ClinVar:

NM_000051.4(ATM):c.3901G>T (p.Glu1301Ter)

Gene: ATM (ATM serine/threonine kinase; plus strand). Cytogenetic location: 11q22.3.
Variant type: single nucleotide variant.
Coding change: c.3901G>T on transcript NM_000051.4 (MANE Select); coding-DNA position 3901, G replaced by T.
Protein change: p.Glu1301Ter; replaces glutamic acid 1301 with a stop codon.
Molecular consequence: nonsense.
Genome position (GRCh38, 1-based): chr11:108,284,381, G>T. VCF-style: chr11-108284381-G-T. GRCh37 (hg19) VCF-style: chr11-108155108-G-T.
Other names: c.3901G>T, p.Glu1301Ter (NM_001351834.2); c.3901G>T (NM_000051.3); short protein forms E1301*.
Identifiers: ClinVar variation 2453943 (VCV002453943.4), dbSNP rs2135707910, ClinGen allele CA382525612.

ClinVar aggregate classification (germline): Pathogenic/Likely pathogenic. Review status: criteria provided, multiple submitters, no conflicts (2 of 4 stars). 3 submissions from 3 submitters: Pathogenic (1); Likely pathogenic (2). Last evaluated 2024-04-30.

Conditions:
Hereditary cancer-predisposing syndrome. Also called: Neoplastic Syndromes, Hereditary; Hereditary neoplastic syndrome; Tumor predisposition; Hereditary Cancer Syndrome. Identifiers: Orphanet 140162, MedGen C0027672, MeSH D009386, MONDO:0015356.
Familial cancer of breast. Also called: BREAST CANCER, FAMILIAL; hereditary breast carcinoma; Hereditary breast cancer. Identifiers: Orphanet 227535, MedGen C0346153, MONDO:0016419, OMIM 114480. Disease mechanism: loss of function.

Submissions (3):

Ambry Genetics
Classification: Likely pathogenic for Hereditary cancer-predisposing syndrome. Last evaluated: 2024-04-30. Review status: criteria provided, single submitter. Criteria: Ambry Variant Classification Scheme 2023. Collection method: clinical testing. Allele origin: germline.
Comment: The c.3901G>T variant (also known as p.E1301*), located in coding exon 25 of the ATM gene, results from a G to T substitution at nucleotide position 3901. This changes the amino acid from a glutamic acid to a stop codon within coding exon 25. This alteration was identified in 1/1207 cases of French women diagnosed with breast cancer who had a sister with breast cancer and were BRCA1 and BRCA2 negative and 0/1199 general population controls (Girard E et al. Int J Cancer, 2019 Apr;144:1962-1974). This variant is considered to be rare based on population cohorts in the Genome Aggregation Database (gnomAD). This nucleotide position is not well conserved in available vertebrate species. In silico splice site analysis predicts that this alteration will result in the creation or strengthening of a novel splice acceptor site. RNA studies have demonstrated that this alteration results in abnormal splicing in the set of samples tested (Ambry internal data). Based on the majority of available evidence to date, this variant is likely to be pathogenic.

Myriad Genetics, Inc.
Classification: Pathogenic for Familial cancer of breast. Last evaluated: 2024-01-23. Review status: criteria provided, single submitter. Criteria: Myriad Autosomal Dominant, Autosomal Recessive and X-Linked Classification Criteria (2023). Collection method: clinical testing. Allele origin: unknown.
Comment: This variant is considered pathogenic. This variant creates a termination codon and is predicted to result in premature protein truncation.

Baylor Genetics
Classification: Likely pathogenic for Familial cancer of breast. Last evaluated: 2021-10-12. Review status: criteria provided, single submitter. Criteria: ACMG Guidelines, 2015. Collection method: clinical testing. Allele origin: unknown.

Literature cited by the submitters: PubMed 30303537 (cited by Ambry Genetics).